The following is an entry in ClinVar:

ClinVar aggregate classification (germline): Uncertain significance. Review status: criteria provided, multiple submitters, no conflicts (2 of 4 stars). 2 submissions from 2 submitters: Uncertain significance (2). Last evaluated 2023-07-17.

Conditions:
Inborn genetic diseases. Identifiers: MedGen C0950123, MeSH D030342.

Allele frequency attached by ClinVar (database versions not stated): gnomAD 0.00003; gnomAD exomes 0.00004; ExAC 0.00005; TOPMed 0.00019.

Submissions (2):

Labcorp Genetics (formerly Invitae), Labcorp
Classification: Uncertain significance. Last evaluated: 2023-07-17. Review status: criteria provided, single submitter. Criteria: Invitae Variant Classification Sherloc (09022015). Collection method: clinical testing. Allele origin: germline.
Comment: In summary, the available evidence is currently insufficient to determine the role of this variant in disease. Therefore, it has been classified as a Variant of Uncertain Significance. Advanced modeling of protein sequence and biophysical properties (such as structural, functional, and spatial information, amino acid conservation, physicochemical variation, residue mobility, and thermodynamic stability) performed at Invitae indicates that this missense variant is not expected to disrupt DONSON protein function. ClinVar contains an entry for this variant (Variation ID: 2414741). This variant has not been reported in the literature in individuals affected with DONSON-related conditions. This variant is present in population databases (rs755151062, gnomAD 0.07%). This sequence change replaces aspartic acid, which is acidic and polar, with asparagine, which is neutral and polar, at codon 251 of the DONSON protein (p.Asp251Asn).

Ambry Genetics
Classification: Uncertain significance for Inborn genetic diseases. Last evaluated: 2021-05-18. Review status: criteria provided, single submitter. Criteria: Ambry Variant Classification Scheme 2023. Collection method: clinical testing. Allele origin: germline.
Comment: The c.751G>A (p.D251N) alteration is located in exon 4 (coding exon 4) of the DONSON gene. This alteration results from a G to A substitution at nucleotide position 751, causing the aspartic acid (D) at amino acid position 251 to be replaced by an asparagine (N). The p.D251N alteration is predicted to be tolerated by in silico analysis. Based on insufficient or conflicting evidence, the clinical significance of this alteration remains unclear.

NM_017613.4(DONSON):c.751G>A (p.Asp251Asn)

Gene: DONSON (DNA replication fork stabilization factor DONSON; minus strand). Cytogenetic location: 21q22.11.
Variant type: single nucleotide variant.
Coding change: c.751G>A on transcript NM_017613.4 (MANE Select); coding-DNA position 751, G replaced by A.
Protein change: p.Asp251Asn; replaces aspartic acid 251 with asparagine.
Molecular consequence: missense variant.
Genome position (GRCh38, 1-based): chr21:33,584,624, C>T on the plus strand (G>A on the coding strand, the complement: DONSON is on the minus strand). VCF-style: chr21-33584624-C-T. GRCh37 (hg19) VCF-style: chr21-34956930-C-T.
Other names: c.751G>A (NM_017613.2); short protein forms D251N.
Identifiers: ClinVar variation 2414741 (VCV002414741.5), dbSNP rs755151062, ClinGen allele CA10010523.